The following is an entry in ClinVar:

NM_177438.3(DICER1):c.3236G>T (p.Gly1079Val)

Gene: DICER1 (dicer 1, ribonuclease III; minus strand). Cytogenetic location: 14q32.13.
Variant type: single nucleotide variant.
Coding change: c.3236G>T on transcript NM_177438.3 (MANE Select); coding-DNA position 3236, G replaced by T.
Protein change: p.Gly1079Val; replaces glycine 1079 with valine.
Molecular consequence: missense variant. On other transcripts: non-coding transcript variant (6).
Genome position (GRCh38, 1-based): chr14:95,105,104, C>A on the plus strand (G>T on the coding strand, the complement: DICER1 is on the minus strand). VCF-style: chr14-95105104-C-A. GRCh37 (hg19) VCF-style: chr14-95571441-C-A.
Other names: c.3236G>T, p.Gly1079Val (NM_001195573.1, NM_001271282.3, NM_001291628.2 and 12 more transcripts); c.2954G>T, p.Gly985Val (NM_001395686.1); c.2831G>T, p.Gly944Val (NM_001395687.1, NM_001395688.1, NM_001395689.1 and 2 more transcripts); c.2669G>T, p.Gly890Val (NM_001395691.1); c.1553G>T, p.Gly518Val (NM_001395697.1); short protein forms G890V, G1079V, G518V, G944V, G985V.
Identifiers: ClinVar variation 3720174 (VCV003720174.2).

ClinVar aggregate classification (germline): Uncertain significance (1 of 4 stars; one submission).

Conditions:
DICER1-related tumor predisposition. Also called: DICER1 syndrome; DICER1-related pleuropulmonary blastoma cancer predisposition syndrome. Identifiers: Orphanet 284343, MedGen C3839822, MONDO:0100216.

Submission:

Labcorp Genetics (formerly Invitae), Labcorp
Classification: Uncertain significance for DICER1-related tumor predisposition. Last evaluated: 2024-12-28. Review status: criteria provided, single submitter. Criteria: Invitae Variant Classification Sherloc (09022015). Collection method: clinical testing. Allele origin: germline.
Comment: This sequence change replaces glycine, which is neutral and non-polar, with valine, which is neutral and non-polar, at codon 1079 of the DICER1 protein (p.Gly1079Val). This variant is not present in population databases (gnomAD no frequency). This variant has not been reported in the literature in individuals affected with DICER1-related conditions. Invitae Evidence Modeling of protein sequence and biophysical properties (such as structural, functional, and spatial information, amino acid conservation, physicochemical variation, residue mobility, and thermodynamic stability) has been performed for this missense variant. However, the output from this modeling did not meet the statistical confidence thresholds required to predict the impact of this variant on DICER1 protein function. In summary, the available evidence is currently insufficient to determine the role of this variant in disease. Therefore, it has been classified as a Variant of Uncertain Significance.